The following is an entry in ClinVar:

NM_001267550.2(TTN):c.105784A>C (p.Lys35262Gln)

Genes: TTN-AS1 (TTN antisense RNA 1; plus strand), TTN (titin; minus strand), LOC129935183 (ATAC-STARR-seq lymphoblastoid active region 16808; plus strand). Cytogenetic location: 2q31.2.
Variant type: single nucleotide variant.
Coding change: c.105784A>C on transcript NM_001267550.2 (MANE Select); coding-DNA position 105784, A replaced by C.
Protein change: p.Lys35262Gln; replaces lysine 35262 with glutamine.
Molecular consequence: missense variant.
Genome position (GRCh38, 1-based): chr2:178,530,831, T>G on the plus strand (A>C on the coding strand, the complement: TTN is on the minus strand). VCF-style: chr2-178530831-T-G. GRCh37 (hg19) VCF-style: chr2-179395558-T-G.
Other names: c.100861A>C, p.Lys33621Gln (NM_001256850.1); c.78589A>C, p.Lys26197Gln (NM_003319.4); c.98080A>C, p.Lys32694Gln (NM_133378.4); c.78964A>C, p.Lys26322Gln (NM_133432.3); c.79165A>C, p.Lys26389Gln (NM_133437.4); short protein forms K26389Q, K26197Q, K33621Q, K35262Q, K26322Q, K32694Q.
Identifiers: ClinVar variation 4787594 (VCV004787594.1).

ClinVar aggregate classification (germline): Uncertain significance (1 of 4 stars; one submission).

Conditions:
Autosomal recessive limb-girdle muscular dystrophy type 2J (LGMDR10). Also called: Limb-girdle muscular dystrophy, type 2J; MUSCULAR DYSTROPHY, LIMB-GIRDLE, AUTOSOMAL RECESSIVE 10. Identifiers: Orphanet 140922, MedGen C1837342, MONDO:0012127, OMIM 608807.
Dilated cardiomyopathy 1G (CMD1G). Identifiers: Orphanet 154, MedGen C1858763, MONDO:0011400, OMIM 604145.

Submission:

Labcorp Genetics (formerly Invitae), Labcorp
Classification: Uncertain significance for Dilated cardiomyopathy 1G; Autosomal recessive limb-girdle muscular dystrophy type 2J. Last evaluated: 2025-10-02. Review status: criteria provided, single submitter. Criteria: Invitae Variant Classification Sherloc (09022015). Collection method: clinical testing. Allele origin: germline.
Comment: This sequence change replaces lysine, which is basic and polar, with glutamine, which is neutral and polar, at codon 35262 of the TTN protein (p.Lys35262Gln). This variant is not present in population databases (gnomAD no frequency). This variant has not been reported in the literature in individuals affected with TTN-related conditions. Experimental studies and prediction algorithms are not available or were not evaluated, and the functional significance of this variant is currently unknown. This variant is located in the M band of TTN (PMID: 25589632). Non-truncating variants in this region may be relevant for neuromuscular disorders, but have not been definitively shown to cause cardiomyopathy (PMID: 23975875). In summary, the available evidence is currently insufficient to determine the role of this variant in disease. Therefore, it has been classified as a Variant of Uncertain Significance.

Literature cited by the submitters: PubMed 25589632; PubMed 23975875.